The following is an entry in ClinVar:

ClinVar aggregate classification (germline): other (0 of 4 stars; one submission).

Conditions:
Familial colorectal cancer. Identifiers: MedGen CN280943, MONDO:0023113. Disease mechanism: loss of function.

Submission:

Systems Biology Platform Zhejiang California International NanoSystems Institute
Classification: other for Familial colorectal cancer. Review status: no assertion criteria provided. Collection method: not provided. Allele origin: unknown.
ClinVar note: Converted during submission from cancer to other.

NM_000038.6(APC):c.645+3066G>T

Gene: APC (APC regulator of WNT signaling pathway; plus strand). Cytogenetic location: 5q22.2.
Variant type: single nucleotide variant.
Coding change: c.645+3066G>T on transcript NM_000038.6 (MANE Select); 3066 bases into the intron after coding-DNA position 645, G replaced by T.
Molecular consequence: intron variant.
Genome position (GRCh38, 1-based): chr5:112,783,969, G>T. VCF-style: chr5-112783969-G-T. GRCh37 (hg19) VCF-style: chr5-112119666-G-T.
Other names: c.645+3066G>T (NM_001354895.2, NM_001127510.3, NM_001354896.2 and 2 more transcripts); c.675+3066G>T (NM_001354897.2, NM_001354902.2, NM_001127511.3); c.570+3066G>T (NM_001354898.2, NM_001354904.2); c.-391+3066G>T (NM_001354906.2); c.468+3066G>T (NM_001354900.2, NM_001354901.2, NM_001354905.2).
Identifiers: ClinVar variation 82959 (VCV000082959.2), dbSNP rs79246547, ClinGen allele CA011385.